The following is an entry in ClinVar:

ClinVar aggregate classification (germline): Uncertain significance (1 of 4 stars; one submission).

Conditions:
IKBKB-related disorder. Also called: IKBKB-related condition.

Submission:

PreventionGenetics, part of Exact Sciences
Classification: Uncertain significance for IKBKB-related condition. Last evaluated: 2025-06-09. Review status: criteria provided, single submitter. Criteria: ACMG Guidelines, 2015. Collection method: clinical testing. Allele origin: germline.
Comment: The IKBKB c.15dupG variant is predicted to result in a frameshift and premature protein termination (p.Cys6Valfs*3). Using another transcript (NM_001556.2) this variant is also known as c.-103dupG, which impacts the pre-coding. To our knowledge, this variant has not been reported in the literature. This variant is reported in 0.013% of alleles in individuals of South Asian descent in gnomAD. At this time, the clinical significance of this variant is uncertain due to the absence of conclusive functional and genetic evidence.

NM_001556.3(IKBKB):c.-103dup

Genes: IKBKB (inhibitor of nuclear factor kappa B kinase subunit beta; plus strand), LOC130000299 (ATAC-STARR-seq lymphoblastoid silent region 19154; plus strand). Cytogenetic location: 8p11.21.
Variant type: Duplication.
Coding change: c.-103dup on transcript NM_001556.3 (MANE Select); 103 bases upstream of the start codon, one base duplicated (G; older notation c.-103dupG).
Molecular consequence: 5 prime UTR variant. On other transcripts: non-coding transcript variant (3).
Genome position (GRCh38, 1-based): chr8:42,271,385, G duplicated; the last of 6 consecutive G bases (chr8:42,271,380-42,271,385); duplicating any one gives the same sequence. VCF-style (leftmost placement, unchanged base first): chr8-42271379-A-AG. GRCh37 (hg19) VCF-style: chr8-42128897-A-AG.
Other names: c.-172dup (NM_001190720.3); c.-185dup (NM_001242778.2).
Identifiers: ClinVar variation 4986620 (VCV004986620.1).